The following is an entry in ClinVar:

ClinVar aggregate classification (germline): Conflicting classifications of pathogenicity. Review status: criteria provided, conflicting classifications (1 of 4 stars). 2 submissions from 2 submitters: Uncertain significance (1); Likely benign (1). Last evaluated 2025-09-05.

Conditions:
Noonan syndrome 9 (NS9). Identifiers: Orphanet 648, MedGen C4225282, MONDO:0014691, OMIM 616559.
Cardiovascular phenotype. Identifiers: MedGen CN230736.

Allele frequency attached by ClinVar (database versions not stated): gnomAD exomes 0.00001; ExAC 0.00004; 1000 Genomes Project 0.00020; TOPMed 0.00001; gnomAD 0.00001; 1000 Genomes Project 30x 0.00031.
gnomAD v4.1: 11 of 1,236,262 alleles (0.00089%); highest among the groups gnomAD compares: East Asian, 0.0074%; no homozygotes.

Submissions (2):

Labcorp Genetics (formerly Invitae), Labcorp
Classification: Likely benign for Noonan syndrome 9. Last evaluated: 2025-09-05. Review status: criteria provided, single submitter. Criteria: Invitae Variant Classification Sherloc (09022015). Collection method: clinical testing. Allele origin: germline.

Ambry Genetics
Classification: Uncertain significance for Cardiovascular phenotype. Last evaluated: 2025-07-09. Review status: criteria provided, single submitter. Criteria: Ambry Variant Classification Scheme 2023. Collection method: clinical testing. Allele origin: germline.
Comment: The p.L946F variant (also known as c.2838A>T), located in coding exon 18 of the SOS2 gene, results from an A to T substitution at nucleotide position 2838. The leucine at codon 946 is replaced by phenylalanine, an amino acid with highly similar properties. This amino acid position is highly conserved in available vertebrate species. In addition, the in silico prediction for this alteration is inconclusive. Based on the available evidence, the clinical significance of this variant remains unclear.

NM_006939.4(SOS2):c.2838A>T (p.Leu946Phe)

Gene: SOS2 (SOS Ras/Rho guanine nucleotide exchange factor 2; minus strand). Cytogenetic location: 14q21.3.
Variant type: single nucleotide variant.
Coding change: c.2838A>T on transcript NM_006939.4 (MANE Select); coding-DNA position 2838, A replaced by T.
Protein change: p.Leu946Phe; replaces leucine 946 with phenylalanine.
Molecular consequence: missense variant.
Genome position (GRCh38, 1-based): chr14:50,138,732, T>A on the plus strand (A>T on the coding strand, the complement: SOS2 is on the minus strand). VCF-style: chr14-50138732-T-A. GRCh37 (hg19) VCF-style: chr14-50605450-T-A.
Other names: c.2838A>T (NM_006939.2); c.2739A>T, p.Leu913Phe (NM_001411020.1); short protein forms L946F, L913F.
Identifiers: ClinVar variation 2761761 (VCV002761761.4), dbSNP rs532833599, ClinGen allele CA7176929.